The following is an entry in ClinVar:

NM_004371.4(COPA):c.2334T>A (p.Phe778Leu)

Gene: COPA (COPI coat complex subunit alpha; minus strand). Cytogenetic location: 1q23.2.
Variant type: single nucleotide variant.
Coding change: c.2334T>A on transcript NM_004371.4 (MANE Select); coding-DNA position 2334, T replaced by A.
Protein change: p.Phe778Leu; replaces phenylalanine 778 with leucine.
Molecular consequence: missense variant.
Genome position (GRCh38, 1-based): chr1:160,296,079, A>T on the plus strand (T>A on the coding strand, the complement: COPA is on the minus strand). VCF-style: chr1-160296079-A-T. GRCh37 (hg19) VCF-style: chr1-160265869-A-T.
Other names: c.2361T>A, p.Phe787Leu (NM_001098398.2); short protein forms F778L, F787L.
Identifiers: ClinVar variation 1306686 (VCV001306686.2), dbSNP rs2101825994, ClinGen allele CA343276636.

ClinVar aggregate classification (germline): Uncertain significance (1 of 4 stars; one submission).

Allele frequency attached by ClinVar (database versions not stated): gnomAD exomes below 0.00001.

Submission:

GeneDx
Classification: Uncertain significance. Last evaluated: 2019-06-21. Review status: criteria provided, single submitter. Criteria: GeneDx Variant Classification Process June 2021. Collection method: clinical testing. Allele origin: germline. Affected: yes.
Comment: Not observed in large population cohorts (Lek et al., 2016); In silico analysis, which includes protein predictors and evolutionary conservation, supports that this variant does not alter protein structure/function; Has not been previously published as pathogenic or benign to our knowledge